The following is an entry in ClinVar:

ClinVar aggregate classification (germline): Likely benign. Review status: criteria provided, multiple submitters, no conflicts (2 of 4 stars). 3 submissions from 3 submitters: Likely benign (3). Last evaluated 2026-07-31.

Conditions:
PCNT-related disorder. Also called: PCNT-related condition.

Allele frequency attached by ClinVar (database versions not stated): gnomAD 0.00001; ExAC 0.00002; gnomAD exomes 0.00002 and 0.00004; TOPMed 0.00002.
gnomAD v4.1: 28 of 1,598,426 alleles (0.0018%); highest among the groups gnomAD compares: South Asian, 0.0066%; 1 homozygote.

Submissions (3):

PreventionGenetics, part of Exact Sciences
Classification: Likely benign for PCNT-related condition. Last evaluated: 2026-07-31. Review status: criteria provided, single submitter. Criteria: ACMG Guidelines, 2015. Collection method: clinical testing. Allele origin: germline.
Comment: This variant is classified as likely benign based on ACMG/AMP sequence variant interpretation guidelines (Richards et al. 2015 PMID: 25741868, with internal and published modifications).

Labcorp Genetics (formerly Invitae), Labcorp
Classification: Likely benign. Last evaluated: 2025-05-29. Review status: criteria provided, single submitter. Criteria: Invitae Variant Classification Sherloc (09022015). Collection method: clinical testing. Allele origin: germline.

Blueprint Genetics
Classification: Likely benign. Last evaluated: 2023-02-20. Review status: criteria provided, single submitter. Criteria: ACMG Guidelines, 2015. Collection method: clinical testing. Allele origin: germline.

NM_006031.6(PCNT):c.6894C>T (p.Asp2298=)

Gene: PCNT (pericentrin; plus strand). Cytogenetic location: 21q22.3.
Variant type: single nucleotide variant.
Coding change: c.6894C>T on transcript NM_006031.6 (MANE Select); coding-DNA position 6894, C replaced by T.
Protein change: p.Asp2298=; no amino-acid change (aspartic acid 2298 retained).
Molecular consequence: synonymous variant.
Genome position (GRCh38, 1-based): chr21:46,416,812, C>T. VCF-style: chr21-46416812-C-T. GRCh37 (hg19) VCF-style: chr21-47836726-C-T.
Other names: c.6540C>T, p.Asp2180= (NM_001315529.2); c.6894C>T (NM_006031.5).
Identifiers: ClinVar variation 1663076 (VCV001663076.10), dbSNP rs746661597, ClinGen allele CA10080435.